The following is an entry in ClinVar:

NM_001122769.3(LCA5):c.1187_1191delinsTTACGACAAC (p.Glu396fs)

Gene: LCA5 (lebercilin LCA5; minus strand). Cytogenetic location: 6q14.1.
Variant type: Indel.
Coding change: c.1187_1191delinsTTACGACAAC on transcript NM_001122769.3 (MANE Select); coding-DNA positions 1187 to 1191, AAGAA replaced by TTACGACAAC.
Protein change: p.Glu396fs; shifts the reading frame from glutamic acid 396.
Molecular consequence: frameshift variant.
Genome position (GRCh38, 1-based): chr6:79,489,124-79,489,128, TTCTT replaced by GTTGTCGTAA on the plus strand (AAGAA replaced by TTACGACAAC on the coding strand, the reverse complement: LCA5 is on the minus strand). VCF-style: chr6-79489124-TTCTT-GTTGTCGTAA. GRCh37 (hg19) VCF-style: chr6-80198841-TTCTT-GTTGTCGTAA.
Other names: c.1187_1191delinsTTACGACAAC, p.Glu396fs (NM_181714.4); short protein forms E396fs.
Identifiers: ClinVar variation 1386722 (VCV001386722.6), dbSNP rs2127667021, ClinGen allele CA2573141171.

ClinVar aggregate classification (germline): Pathogenic (1 of 4 stars; one submission).

Submission:

Labcorp Genetics (formerly Invitae), Labcorp
Classification: Pathogenic. Last evaluated: 2022-11-29. Review status: criteria provided, single submitter. Criteria: Invitae Variant Classification Sherloc (09022015). Collection method: clinical testing. Allele origin: germline.
Comment: This variant is not present in population databases (gnomAD no frequency). This sequence change creates a premature translational stop signal (p.Glu396Valfs*8) in the LCA5 gene. While this is not anticipated to result in nonsense mediated decay, it is expected to disrupt the last 302 amino acid(s) of the LCA5 protein. This variant has not been reported in the literature in individuals affected with LCA5-related conditions. For these reasons, this variant has been classified as Pathogenic. This variant disrupts a region of the LCA5 protein in which other variant(s) (p.Lys586*) have been determined to be pathogenic (PMID: 23946133, 27624628). This suggests that this is a clinically significant region of the protein, and that variants that disrupt it are likely to be disease-causing. ClinVar contains an entry for this variant (Variation ID: 1386722).

Literature cited by the submitters: PubMed 23946133; PubMed 27624628.